The following is an entry in ClinVar:

NM_006445.4(PRPF8):c.2602G>A (p.Glu868Lys)

Gene: PRPF8 (pre-mRNA processing factor 8; minus strand). Cytogenetic location: 17p13.3.
Variant type: single nucleotide variant.
Coding change: c.2602G>A on transcript NM_006445.4 (MANE Select); coding-DNA position 2602, G replaced by A.
Protein change: p.Glu868Lys; replaces glutamic acid 868 with lysine.
Molecular consequence: missense variant.
Genome position (GRCh38, 1-based): chr17:1,676,005, C>T on the plus strand (G>A on the coding strand, the complement: PRPF8 is on the minus strand). VCF-style: chr17-1676005-C-T. GRCh37 (hg19) VCF-style: chr17-1579299-C-T.
Other names: short protein forms E868K.
Identifiers: ClinVar variation 1313473 (VCV001313473.2), dbSNP rs2151127906, ClinGen allele CA397549788.

ClinVar aggregate classification (germline): Uncertain significance (1 of 4 stars; one submission).

Submission:

GeneDx
Classification: Uncertain significance. Last evaluated: 2020-01-21. Review status: criteria provided, single submitter. Criteria: GeneDx Variant Classification Process June 2021. Collection method: clinical testing. Allele origin: germline. Affected: yes.
Comment: Not observed in large population cohorts (Lek et al., 2016); In silico analysis, which includes protein predictors and evolutionary conservation, supports a deleterious effect; Has not been previously published as pathogenic or benign to our knowledge